The following is an entry in ClinVar:

NM_020987.5(ANK3):c.12056A>C (p.Lys4019Thr)

Gene: ANK3 (ankyrin 3; minus strand). Cytogenetic location: 10q21.2.
Variant type: single nucleotide variant.
Coding change: c.12056A>C on transcript NM_020987.5 (MANE Select); coding-DNA position 12056, A replaced by C.
Protein change: p.Lys4019Thr; replaces lysine 4019 with threonine.
Molecular consequence: missense variant. On other transcripts: intron variant (4).
Genome position (GRCh38, 1-based): chr10:60,068,825, T>G on the plus strand (A>C on the coding strand, the complement: ANK3 is on the minus strand). VCF-style: chr10-60068825-T-G. GRCh37 (hg19) VCF-style: chr10-61828583-T-G.
Other names: c.12056A>C (NM_020987.3); c.4388-816A>C (NM_001204403.2); c.4409-816A>C (NM_001204404.2); c.4406-816A>C (NM_001320874.2); c.1808-816A>C (NM_001149.4); short protein forms K4019T.
Identifiers: ClinVar variation 1988939 (VCV001988939.5), dbSNP rs779690242, ClinGen allele CA5510984.

ClinVar aggregate classification (germline): Uncertain significance. Review status: criteria provided, multiple submitters, no conflicts (2 of 4 stars). 2 submissions from 2 submitters: Uncertain significance (2). Last evaluated 2026-01-19.

Conditions:
Inborn genetic diseases. Identifiers: MedGen C0950123, MeSH D030342.

Allele frequency attached by ClinVar (database versions not stated): ExAC 0.00001; gnomAD 0.00001; gnomAD exomes 0.00001; TOPMed 0.00004.
gnomAD v4.1: 9 of 1,614,090 alleles (0.00056%); highest among the groups gnomAD compares: Admixed American, 0.012%; no homozygotes.

Submissions (2):

Labcorp Genetics (formerly Invitae), Labcorp
Classification: Uncertain significance. Last evaluated: 2026-01-19. Review status: criteria provided, single submitter. Criteria: Invitae Variant Classification Sherloc (09022015). Collection method: clinical testing. Allele origin: germline.
Comment: This sequence change replaces lysine, which is basic and polar, with threonine, which is neutral and polar, at codon 4019 of the ANK3 protein (p.Lys4019Thr). This variant is present in population databases (rs779690242, gnomAD 0.009%). This variant has not been reported in the literature in individuals affected with ANK3-related conditions. ClinVar contains an entry for this variant (Variation ID: 1988939). An algorithm developed to predict the effect of missense changes on protein structure and function (PolyPhen-2) suggests that this variant is likely to be tolerated. In summary, the available evidence is currently insufficient to determine the role of this variant in disease. Therefore, it has been classified as a Variant of Uncertain Significance.

Ambry Genetics
Classification: Uncertain significance for Inborn genetic diseases. Last evaluated: 2025-02-22. Review status: criteria provided, single submitter. Criteria: Ambry Variant Classification Scheme 2023. Collection method: clinical testing. Allele origin: germline.